The following is an entry in ClinVar:

NM_177972.3(TUB):c.574A>C (p.Ser192Arg)

Genes: RIC3 (RIC3 acetylcholine receptor chaperone; minus strand), TUB (TUB bipartite transcription factor; plus strand). Cytogenetic location: 11p15.4.
Variant type: single nucleotide variant.
Coding change: c.574A>C on transcript NM_177972.3 (MANE Select); coding-DNA position 574, A replaced by C.
Protein change: p.Ser192Arg; replaces serine 192 with arginine.
Molecular consequence: missense variant.
Genome position (GRCh38, 1-based): chr11:8,096,693, A>C. VCF-style: chr11-8096693-A-C. GRCh37 (hg19) VCF-style: chr11-8118240-A-C.
Other names: c.739A>C, p.Ser247Arg (NM_003320.5); c.739A>C (NM_003320.4); short protein forms S247R, S192R.
Identifiers: ClinVar variation 1460507 (VCV001460507.7), dbSNP rs946472880, ClinGen allele CA217421919.

ClinVar aggregate classification (germline): Uncertain significance. Review status: criteria provided, multiple submitters, no conflicts (2 of 4 stars). 2 submissions from 2 submitters: Uncertain significance (2). Last evaluated 2024-11-17.

Conditions:
TUB-related disorder. Also called: TUB-related condition.

Allele frequency attached by ClinVar (database versions not stated): gnomAD exomes below 0.00001 and 0.00001; gnomAD 0.00001; TOPMed 0.00001.
gnomAD v4.1: 4 of 1,606,930 alleles (0.00025%); highest among the groups gnomAD compares: Non-Finnish European, 0.00034%; no homozygotes.

Submissions (2):

PreventionGenetics, part of Exact Sciences
Classification: Uncertain significance for TUB-related condition. Last evaluated: 2024-11-17. Review status: criteria provided, single submitter. Criteria: ACMG Guidelines, 2015. Collection method: clinical testing. Allele origin: germline.
Comment: The TUB c.739A>C variant is predicted to result in the amino acid substitution p.Ser247Arg. To our knowledge, this variant has not been reported in the literature. This variant is reported in 0.0015% of alleles in individuals of European (Non-Finnish) descent in gnomAD. At this time, the clinical significance of this variant is uncertain due to the absence of conclusive functional and genetic evidence.

Labcorp Genetics (formerly Invitae), Labcorp
Classification: Uncertain significance. Last evaluated: 2023-06-13. Review status: criteria provided, single submitter. Criteria: Invitae Variant Classification Sherloc (09022015). Collection method: clinical testing. Allele origin: germline.
Comment: This sequence change replaces serine, which is neutral and polar, with arginine, which is basic and polar, at codon 247 of the TUB protein (p.Ser247Arg). This variant is present in population databases (no rsID available, gnomAD 0.002%). This variant has not been reported in the literature in individuals affected with TUB-related conditions. ClinVar contains an entry for this variant (Variation ID: 1460507). An algorithm developed to predict the effect of missense changes on protein structure and function (PolyPhen-2) suggests that this variant is likely to be disruptive. In summary, the available evidence is currently insufficient to determine the role of this variant in disease. Therefore, it has been classified as a Variant of Uncertain Significance.